The following is an entry in ClinVar:

NM_001110556.2(FLNA):c.1716C>T (p.Thr572=)

Gene: FLNA (filamin A; minus strand). Cytogenetic location: Xq28.
Variant type: single nucleotide variant.
Coding change: c.1716C>T on transcript NM_001110556.2 (MANE Select); coding-DNA position 1716, C replaced by T.
Protein change: p.Thr572=; no amino-acid change (threonine 572 retained).
Molecular consequence: synonymous variant.
Genome position (GRCh38, 1-based): chrX:154,364,933, G>A on the plus strand (C>T on the coding strand, the complement: FLNA is on the minus strand). VCF-style: chrX-154364933-G-A. GRCh37 (hg19) VCF-style: chrX-153593301-G-A.
Other names: p.T572T:ACC>ACT; c.1716C>T, p.Thr572= (NM_001456.4).
Identifiers: ClinVar variation 213436 (VCV000213436.47), dbSNP rs201550267, ClinGen allele CA321419.

ClinVar aggregate classification (germline): Benign/Likely benign. Review status: criteria provided, multiple submitters, no conflicts (2 of 4 stars). 7 submissions from 7 submitters: Benign (4); Likely benign (3). Last evaluated 2026-02-01.

Conditions:
Melnick-Needles syndrome (MNS). Also called: MELNICK-NEEDLES OSTEODYSPLASTY; Melnick-Needles Syndrome (FLNA-MNS); OSTEODYSPLASTY OF MELNICK AND NEEDLES. Identifiers: Orphanet 2484, MedGen C0025237, MONDO:0010650, OMIM 309350.
Heterotopia, periventricular, X-linked dominant (PVNH1). Also called: PERIVENTRICULAR NODULAR HETEROTOPIA 4; HETEROTOPIA, PERIVENTRICULAR, 1; X-linked periventricular heterotopia; PERIVENTRICULAR NODULAR HETEROTOPIA 1. Identifiers: Orphanet 2149, Orphanet 82004, MedGen C1848213, MONDO:0010233, OMIM 300049.
Oto-palato-digital syndrome, type II (OPD2). Also called: FACIOPALATOOSSEOUS SYNDROME; Otopalatodigital Syndrome, Type II; Otopalatodigital Syndrome Type 2 (FLNA-OPD2); OPD II SYNDROME. Identifiers: Orphanet 669, Orphanet 90652, MedGen C1844696, MONDO:0010571, OMIM 304120.
Frontometaphyseal dysplasia (FMD1). Identifiers: Orphanet 1826, MedGen C0265293, MONDO:0015942.
Familial thoracic aortic aneurysm and aortic dissection (TAAD). Also called: Thoracic aortic aneurysms and dissections. Identifiers: Orphanet 91387, MedGen C4707243, MONDO:0019625.

Allele frequency attached by ClinVar (database versions not stated): ExAC 0.00012; gnomAD exomes 0.00013 and 0.00043; gnomAD 0.00032 and 0.00034; TOPMed 0.00033; ESP Exome Variant Server 0.00049.
gnomAD v4.1: 527 of 1,209,748 alleles (0.044%); highest among the groups gnomAD compares: Non-Finnish European, 0.052%; no homozygotes.

Submissions (7):

Labcorp Genetics (formerly Invitae), Labcorp
Classification: Benign for Oto-palato-digital syndrome, type II; Heterotopia, periventricular, X-linked dominant; Frontometaphyseal dysplasia; Melnick-Needles syndrome. Last evaluated: 2026-02-01. Review status: criteria provided, single submitter. Criteria: Invitae Variant Classification Sherloc (09022015). Collection method: clinical testing. Allele origin: germline.

Laboratory of Genetics, Children's Clinical University Hospital Latvia
Classification: Benign. Last evaluated: 2025-02-16. Review status: criteria provided, single submitter. Criteria: ACMG Guidelines, 2015. Collection method: clinical testing. Allele origin: germline. Affected: yes.

Blueprint Genetics
Classification: Likely benign. Last evaluated: 2024-10-17. Review status: criteria provided, single submitter. Criteria: ACMG Guidelines, 2015. Collection method: clinical testing. Allele origin: germline.

CeGaT Center for Human Genetics Tuebingen
Classification: Likely benign. Last evaluated: 2024-02-01. Review status: criteria provided, single submitter. Criteria: CeGaT Center For Human Genetics Tuebingen Variant Classification Criteria Version 2. Collection method: clinical testing. Allele origin: germline. Affected: yes. Observed: 3 variant alleles.
Comment: FLNA: BP4, BP7, BS2

ARUP Laboratories, Molecular Genetics and Genomics, ARUP Laboratories
Classification: Likely benign. Last evaluated: 2021-08-04. Review status: criteria provided, single submitter. Criteria: ARUP Molecular Germline Variant Investigation Process 2021. Collection method: clinical testing. Allele origin: germline.

Ambry Genetics
Classification: Benign for Familial thoracic aortic aneurysm and aortic dissection. Last evaluated: 2017-07-27. Review status: criteria provided, single submitter. Criteria: Ambry Variant Classification Scheme 2023. Collection method: clinical testing. Allele origin: germline.

GeneDx
Classification: Benign. Last evaluated: 2015-01-19. Review status: criteria provided, single submitter. Criteria: GeneDx Variant Classification (06012015). Collection method: clinical testing. Allele origin: germline. Affected: yes.
Comment: This variant is considered likely benign or benign based on one or more of the following criteria: it is a conservative change, it occurs at a poorly conserved position in the protein, it is predicted to be benign by multiple in silico algorithms, and/or has population frequency not consistent with disease.